The following is an entry in ClinVar:

ClinVar aggregate classification (germline): Uncertain significance. Review status: criteria provided, multiple submitters, no conflicts (2 of 4 stars). 3 submissions from 3 submitters: Uncertain significance (3). Last evaluated 2026-01-31.

Conditions:
Hereditary cancer-predisposing syndrome. Also called: Neoplastic Syndromes, Hereditary; Hereditary Cancer Syndrome; Tumor predisposition; Hereditary neoplastic syndrome. Identifiers: Orphanet 140162, MedGen C0027672, MeSH D009386, MONDO:0015356.

Allele frequency attached by ClinVar (database versions not stated): TOPMed below 0.00001; gnomAD 0.00001; gnomAD exomes 0.00001; ExAC 0.00002; ESP Exome Variant Server 0.00008.
gnomAD v4.1: 13 of 1,613,688 alleles (0.00081%); highest among the groups gnomAD compares: Non-Finnish European, 0.0011%; no homozygotes.

Submissions (3):

Labcorp Genetics (formerly Invitae), Labcorp
Classification: Uncertain significance for Hereditary cancer-predisposing syndrome. Last evaluated: 2026-01-31. Review status: criteria provided, single submitter. Criteria: Invitae Variant Classification Sherloc (09022015). Collection method: clinical testing. Allele origin: germline.
Comment: This sequence change replaces isoleucine, which is neutral and non-polar, with valine, which is neutral and non-polar, at codon 155 of the RAD50 protein (p.Ile155Val). This variant is present in population databases (rs375845724, gnomAD 0.002%). This variant has not been reported in the literature in individuals affected with RAD50-related conditions. ClinVar contains an entry for this variant (Variation ID: 231373). Invitae Evidence Modeling of protein sequence and biophysical properties (such as structural, functional, and spatial information, amino acid conservation, physicochemical variation, residue mobility, and thermodynamic stability) indicates that this missense variant is not expected to disrupt RAD50 protein function with a negative predictive value of 80%. In summary, the available evidence is currently insufficient to determine the role of this variant in disease. Therefore, it has been classified as a Variant of Uncertain Significance.

Ambry Genetics
Classification: Uncertain significance for Hereditary cancer-predisposing syndrome. Last evaluated: 2024-10-24. Review status: criteria provided, single submitter. Criteria: Ambry Variant Classification Scheme 2023. Collection method: clinical testing. Allele origin: germline.
Comment: The p.I155V variant (also known as c.463A>G), located in coding exon 4 of the RAD50 gene, results from an A to G substitution at nucleotide position 463. The isoleucine at codon 155 is replaced by valine, an amino acid with highly similar properties. This amino acid position is highly conserved in available vertebrate species. In addition, this alteration is predicted to be tolerated by in silico analysis. Since supporting evidence is limited at this time, the clinical significance of this alteration remains unclear.

Blueprint Genetics
Classification: Uncertain significance. Last evaluated: 2024-04-16. Review status: criteria provided, single submitter. Criteria: ACMG Guidelines, 2015. Collection method: clinical testing. Allele origin: germline.

NM_005732.4(RAD50):c.463A>G (p.Ile155Val)

Gene: RAD50 (RAD50 double strand break repair protein; plus strand). Cytogenetic location: 5q31.1.
Variant type: single nucleotide variant.
Coding change: c.463A>G on transcript NM_005732.4 (MANE Select); coding-DNA position 463, A replaced by G.
Protein change: p.Ile155Val; replaces isoleucine 155 with valine.
Molecular consequence: missense variant.
Genome position (GRCh38, 1-based): chr5:132,579,414, A>G. VCF-style: chr5-132579414-A-G. GRCh37 (hg19) VCF-style: chr5-131915106-A-G.
Other names: short protein forms I155V.
Identifiers: ClinVar variation 231373 (VCV000231373.16), dbSNP rs375845724, ClinGen allele CA3404987.